The following is an entry in ClinVar:

ClinVar aggregate classification (germline): Likely benign (0 of 4 stars; one submission).

Conditions:
DACT1-related disorder. Also called: DACT1-related condition.

Allele frequency attached by ClinVar (database versions not stated): ExAC 0.00012; TOPMed 0.00012; gnomAD 0.00014; gnomAD exomes 0.00014; ESP Exome Variant Server 0.00015.
gnomAD v4.1: 224 of 1,613,138 alleles (0.014%); highest among the groups gnomAD compares: Non-Finnish European, 0.018%; no homozygotes.

Submission:

PreventionGenetics, part of Exact Sciences
Classification: Likely benign for DACT1-related condition. Last evaluated: 2020-02-14. Review status: no assertion criteria provided. Collection method: clinical testing. Allele origin: germline.
Comment: This variant is classified as likely benign based on ACMG/AMP sequence variant interpretation guidelines (Richards et al. 2015 PMID: 25741868, with internal and published modifications).

NM_001079520.2(DACT1):c.621C>T (p.Cys207=)

Gene: DACT1 (dishevelled binding antagonist of beta catenin 1; plus strand). Cytogenetic location: 14q23.1.
Variant type: single nucleotide variant.
Coding change: c.621C>T on transcript NM_001079520.2 (MANE Select); coding-DNA position 621, C replaced by T.
Protein change: p.Cys207=; no amino-acid change (cysteine 207 retained).
Molecular consequence: synonymous variant. On other transcripts: non-coding transcript variant (5).
Genome position (GRCh38, 1-based): chr14:58,641,734, C>T. VCF-style: chr14-58641734-C-T. GRCh37 (hg19) VCF-style: chr14-59108452-C-T.
Other names: c.621C>T, p.Cys207= (NM_016651.6).
Identifiers: ClinVar variation 3051835 (VCV003051835.2), dbSNP rs144708680, ClinGen allele CA7206607.